The following is an entry in ClinVar:

NM_000489.6(ATRX):c.212C>T (p.Ser71Phe)

Gene: ATRX (ATRX chromatin remodeler; minus strand). Cytogenetic location: Xq21.1.
Variant type: single nucleotide variant.
Coding change: c.212C>T on transcript NM_000489.6 (MANE Select); coding-DNA position 212, C replaced by T.
Protein change: p.Ser71Phe; replaces serine 71 with phenylalanine.
Molecular consequence: missense variant.
Genome position (GRCh38, 1-based): chrX:77,697,613, G>A on the plus strand (C>T on the coding strand, the complement: ATRX is on the minus strand). VCF-style: chrX-77697613-G-A. GRCh37 (hg19) VCF-style: chrX-76953101-G-A.
Other names: c.212C>T, p.Ser71Phe (NM_138270.5); short protein forms S71F.
Identifiers: ClinVar variation 2790958 (VCV002790958.3), dbSNP rs2148681475, ClinGen allele CA413724291.

ClinVar aggregate classification (germline): Uncertain significance (1 of 4 stars; one submission).

Conditions:
Alpha thalassemia-X-linked intellectual disability syndrome (ATRX). Also called: ALPHA-THALASSEMIA/MENTAL RETARDATION SYNDROME, X-LINKED; ATR, NONDELETION TYPE; ATR-X syndrome; Alpha thalassemia mental retardation syndrome, nondeletion type, X-linked; XLMR hypotonic face syndrome; X-linked alpha-thalassemia-mental retardation syndrome. Identifiers: Orphanet 847, MedGen C1845055, MONDO:0010519, OMIM 301040.

Submission:

Labcorp Genetics (formerly Invitae), Labcorp
Classification: Uncertain significance for Alpha thalassemia-X-linked intellectual disability syndrome. Last evaluated: 2023-10-10. Review status: criteria provided, single submitter. Criteria: Invitae Variant Classification Sherloc (09022015). Collection method: clinical testing. Allele origin: germline.
Comment: This sequence change replaces serine, which is neutral and polar, with phenylalanine, which is neutral and non-polar, at codon 71 of the ATRX protein (p.Ser71Phe). This variant is not present in population databases (gnomAD no frequency). This variant has not been reported in the literature in individuals affected with ATRX-related conditions. Advanced modeling of protein sequence and biophysical properties (such as structural, functional, and spatial information, amino acid conservation, physicochemical variation, residue mobility, and thermodynamic stability) performed at Invitae indicates that this missense variant is not expected to disrupt ATRX protein function. In summary, the available evidence is currently insufficient to determine the role of this variant in disease. Therefore, it has been classified as a Variant of Uncertain Significance.